The following is an entry in ClinVar:

NM_203447.4(DOCK8):c.569G>A (p.Gly190Glu)

Gene: DOCK8 (dedicator of cytokinesis 8; plus strand). Cytogenetic location: 9p24.3.
Variant type: single nucleotide variant.
Coding change: c.569G>A on transcript NM_203447.4 (MANE Select); coding-DNA position 569, G replaced by A.
Protein change: p.Gly190Glu; replaces glycine 190 with glutamic acid.
Molecular consequence: missense variant.
Genome position (GRCh38, 1-based): chr9:311,994, G>A. VCF-style: chr9-311994-G-A. GRCh37 (hg19) VCF-style: chr9-311994-G-A.
Other names: c.365G>A, p.Gly122Glu (NM_001190458.2, NM_001193536.2); short protein forms G122E, G190E.
Identifiers: ClinVar variation 2446136 (VCV002446136.1), dbSNP rs2537782157, ClinGen allele CA372760141.

ClinVar aggregate classification (germline): Uncertain significance (1 of 4 stars; one submission).

gnomAD v4.1: 1 of 1,614,180 alleles (0.000062%); highest among the groups gnomAD compares: Non-Finnish European, 0.000085%; no homozygotes.

Submission:

GeneDx
Classification: Uncertain significance. Last evaluated: 2023-03-17. Review status: criteria provided, single submitter. Criteria: GeneDx Variant Classification Process June 2021. Collection method: clinical testing. Allele origin: germline. Affected: yes.
Comment: Not observed at significant frequency in large population cohorts (gnomAD); In silico analysis supports that this missense variant does not alter protein structure/function; Has not been previously published as pathogenic or benign to our knowledge